The following is an entry in ClinVar:

NM_000428.3(LTBP2):c.3856_3857del (p.Val1286fs)

Gene: LTBP2 (latent transforming growth factor beta binding protein 2; minus strand). Cytogenetic location: 14q24.3.
Variant type: Microsatellite.
Coding change: c.3856_3857del on transcript NM_000428.3 (MANE Select); coding-DNA positions 3856 to 3857, 2 bases deleted (GT; older notation c.3856_3857delGT).
Protein change: p.Val1286fs; shifts the reading frame from valine 1286.
Molecular consequence: frameshift variant.
Genome position (GRCh38, 1-based): chr14:74,507,229-74,507,230, AC deleted on the plus strand (GT on the coding strand, the reverse complement: LTBP2 is on the minus strand); deleting any 2 consecutive bases within chr14:74,507,229-74,507,233 gives the same sequence; the c. name uses the placement nearest the transcript's 3' end. VCF-style (leftmost placement, unchanged base first): chr14-74507228-AAC-A. GRCh37 (hg19) VCF-style: chr14-74973931-AAC-A.
Other names: short protein forms V1286fs.
Identifiers: ClinVar variation 1455225 (VCV001455225.6), dbSNP rs2139693289, ClinGen allele CA2580613719.

ClinVar aggregate classification (germline): Pathogenic (1 of 4 stars; one submission).

Submission:

Labcorp Genetics (formerly Invitae), Labcorp
Classification: Pathogenic. Last evaluated: 2021-08-08. Review status: criteria provided, single submitter. Criteria: Invitae Variant Classification Sherloc (09022015). Collection method: clinical testing. Allele origin: germline.
Comment: This sequence change creates a premature translational stop signal (p.Val1286Serfs*17) in the LTBP2 gene. It is expected to result in an absent or disrupted protein product. Loss-of-function variants in LTBP2 are known to be pathogenic (PMID: 19361779, 22025892). For these reasons, this variant has been classified as Pathogenic. This variant has not been reported in the literature in individuals affected with LTBP2-related conditions. This variant is not present in population databases (ExAC no frequency).

Literature cited by the submitters: PubMed 19361779; PubMed 22025892.